The following is an entry in ClinVar:

NM_001128205.2(SULF1):c.173-3C>T

Gene: SULF1 (sulfatase 1; plus strand). Cytogenetic location: 8q13.2.
Variant type: single nucleotide variant.
Coding change: c.173-3C>T on transcript NM_001128205.2 (MANE Select); 3 bases into the intron before coding-DNA position 173, C replaced by T.
Molecular consequence: intron variant.
Genome position (GRCh38, 1-based): chr8:69,575,967, C>T. VCF-style: chr8-69575967-C-T. GRCh37 (hg19) VCF-style: chr8-70488202-C-T.
Other names: c.173-3C>T (NM_001412838.1, NM_001412832.1, NM_001412833.1 and 18 more transcripts); c.-354-3C>T (NM_001412844.1, NM_001412845.1); c.-14-3C>T (NM_001412842.1, NM_001412841.1); c.-1529-3C>T (NM_001412846.1).
Identifiers: ClinVar variation 3620781 (VCV003620781.2).

ClinVar aggregate classification (germline): Uncertain significance (1 of 4 stars; one submission).

gnomAD v4.1: 12 of 1,613,462 alleles (0.00074%); highest among the groups gnomAD compares: African/African-American, 0.0013%; no homozygotes.

Submission:

Labcorp Genetics (formerly Invitae), Labcorp
Classification: Uncertain significance. Last evaluated: 2024-10-29. Review status: criteria provided, single submitter. Criteria: Invitae Variant Classification Sherloc (09022015). Collection method: clinical testing. Allele origin: germline.
Comment: This sequence change falls in intron 5 of the SULF1 gene. It does not directly change the encoded amino acid sequence of the SULF1 protein. It affects a nucleotide within the consensus splice site. This variant is present in population databases (rs143556712, gnomAD 0.002%). This variant has not been reported in the literature in individuals affected with SULF1-related conditions. Variants that disrupt the consensus splice site are a relatively common cause of aberrant splicing (PMID: 17576681, 9536098). Algorithms developed to predict the effect of sequence changes on RNA splicing suggest that this variant is not likely to affect RNA splicing. In summary, the available evidence is currently insufficient to determine the role of this variant in disease. Therefore, it has been classified as a Variant of Uncertain Significance.

Literature cited by the submitters: PubMed 17576681; PubMed 9536098.